The following is an entry in ClinVar:

NM_001844.5(COL2A1):c.3326A>C (p.Gln1109Pro)

Gene: COL2A1 (collagen type II alpha 1 chain; minus strand). Cytogenetic location: 12q13.11.
Variant type: single nucleotide variant.
Coding change: c.3326A>C on transcript NM_001844.5 (MANE Select); coding-DNA position 3326, A replaced by C.
Protein change: p.Gln1109Pro; replaces glutamine 1109 with proline.
Molecular consequence: missense variant.
Genome position (GRCh38, 1-based): chr12:47,977,103, T>G on the plus strand (A>C on the coding strand, the complement: COL2A1 is on the minus strand). VCF-style: chr12-47977103-T-G. GRCh37 (hg19) VCF-style: chr12-48370886-T-G.
Other names: c.3119A>C, p.Gln1040Pro (NM_033150.3); short protein forms Q1040P, Q1109P.
Identifiers: ClinVar variation 1351580 (VCV001351580.8), dbSNP rs1055461266, ClinGen allele CA384539370.

ClinVar aggregate classification (germline): Uncertain significance (1 of 4 stars; one submission).

Allele frequency attached by ClinVar (database versions not stated): gnomAD exomes below 0.00001.
gnomAD v4.1: 1 of 1,606,406 alleles (0.000062%); highest among the groups gnomAD compares: Non-Finnish European, 0.000085%; no homozygotes.

Submission:

Labcorp Genetics (formerly Invitae), Labcorp
Classification: Uncertain significance. Last evaluated: 2022-07-05. Review status: criteria provided, single submitter. Criteria: Invitae Variant Classification Sherloc (09022015). Collection method: clinical testing. Allele origin: germline.
Comment: In summary, the available evidence is currently insufficient to determine the role of this variant in disease. Therefore, it has been classified as a Variant of Uncertain Significance. Algorithms developed to predict the effect of missense changes on protein structure and function output the following: SIFT: "Tolerated"; PolyPhen-2: "Not Available"; Align-GVGD: "Class C0". The proline amino acid residue is found in multiple mammalian species, which suggests that this missense change does not adversely affect protein function. ClinVar contains an entry for this variant (Variation ID: 1351580). This variant has not been reported in the literature in individuals affected with COL2A1-related conditions. This variant is not present in population databases (gnomAD no frequency). This sequence change replaces glutamine, which is neutral and polar, with proline, which is neutral and non-polar, at codon 1109 of the COL2A1 protein (p.Gln1109Pro).